The following is an entry in ClinVar:

NM_001282531.3(ADNP):c.589A>G (p.Ile197Val)

Gene: ADNP (activity dependent neuroprotector homeobox; minus strand). Cytogenetic location: 20q13.13.
Variant type: single nucleotide variant.
Coding change: c.589A>G on transcript NM_001282531.3 (MANE Select); coding-DNA position 589, A replaced by G.
Protein change: p.Ile197Val; replaces isoleucine 197 with valine.
Molecular consequence: missense variant.
Genome position (GRCh38, 1-based): chr20:50,894,125, T>C on the plus strand (A>G on the coding strand, the complement: ADNP is on the minus strand). VCF-style: chr20-50894125-T-C. GRCh37 (hg19) VCF-style: chr20-49510662-T-C.
Other names: c.589A>G, p.Ile197Val (NM_001282532.2, NM_001347511.2, NM_015339.5 and 1 more transcripts); short protein forms I197V.
Identifiers: ClinVar variation 2652404 (VCV002652404.26), dbSNP rs750879561, ClinGen allele CA9908862.

ClinVar aggregate classification (germline): Likely benign. Review status: criteria provided, multiple submitters, no conflicts (2 of 4 stars). 3 submissions from 3 submitters: Likely benign (3). Last evaluated 2024-11-25.

Conditions:
ADNP-related multiple congenital anomalies - intellectual disability - autism spectrum disorder. Also called: Helsmoortel-Van der Aa Syndrome; ADNP-Related Helsmoortel-Van der Aa Syndrome. Identifiers: Orphanet 404448, MedGen C4014538, MONDO:0014379, OMIM 615873. Disease mechanism: loss of function.

Allele frequency attached by ClinVar (database versions not stated): TOPMed 0.00001; gnomAD 0.00003; gnomAD exomes 0.00003; ExAC 0.00011.
gnomAD v4.1: 48 of 1,614,078 alleles (0.003%); highest among the groups gnomAD compares: Middle Eastern, 0.033%; 1 homozygote.

Submissions (3):

Blueprint Genetics
Classification: Likely benign. Last evaluated: 2024-11-25. Review status: criteria provided, single submitter. Criteria: ACMG Guidelines, 2015. Collection method: clinical testing. Allele origin: germline.

CeGaT Center for Human Genetics Tuebingen
Classification: Likely benign. Last evaluated: 2023-03-01. Review status: criteria provided, single submitter. Criteria: CeGaT Center For Human Genetics Tuebingen Variant Classification Criteria Version 2. Collection method: clinical testing. Allele origin: germline. Affected: yes. Observed: 1 variant allele.
Comment: ADNP: BP1, BP4

Department of Pathology and Laboratory Medicine, Sinai Health System
Classification: Likely benign for ADNP-related multiple congenital anomalies - intellectual disability - autism spectrum disorder. Last evaluated: 2021-10-26. Review status: criteria provided, single submitter. Criteria: ACMG Guidelines, 2015. Collection method: research. Allele origin: germline.